The following is an entry in ClinVar:

NM_020247.5(COQ8A):c.1753G>C (p.Glu585Gln)

Gene: COQ8A (coenzyme Q8A; plus strand). Cytogenetic location: 1q42.13.
Variant type: single nucleotide variant.
Coding change: c.1753G>C on transcript NM_020247.5 (MANE Select); coding-DNA position 1753, G replaced by C.
Protein change: p.Glu585Gln; replaces glutamic acid 585 with glutamine.
Molecular consequence: missense variant.
Genome position (GRCh38, 1-based): chr1:226,986,546, G>C. VCF-style: chr1-226986546-G-C. GRCh37 (hg19) VCF-style: chr1-227174247-G-C.
Other names: p.E585Q:GAG>CAG; short protein forms E585Q.
Identifiers: ClinVar variation 214035 (VCV000214035.5), dbSNP rs758986425, ClinGen allele CA321718.

ClinVar aggregate classification (germline): Conflicting classifications of pathogenicity. Review status: criteria provided, conflicting classifications (1 of 4 stars). 2 submissions from 2 submitters: Uncertain significance (1); Likely benign (1). Last evaluated 2024-10-29.

Allele frequency attached by ClinVar (database versions not stated): gnomAD 0.00001; TOPMed 0.00002.
gnomAD v4.1: 36 of 1,613,820 alleles (0.0022%); highest among the groups gnomAD compares: Non-Finnish European, 0.0028%; no homozygotes.

Submissions (2):

Labcorp Genetics (formerly Invitae), Labcorp
Classification: Uncertain significance. Last evaluated: 2024-10-29. Review status: criteria provided, single submitter. Criteria: Invitae Variant Classification Sherloc (09022015). Collection method: clinical testing. Allele origin: germline.
Comment: This sequence change replaces glutamic acid, which is acidic and polar, with glutamine, which is neutral and polar, at codon 585 of the COQ8A protein (p.Glu585Gln). This variant is present in population databases (no rsID available, gnomAD 0.002%). This variant has not been reported in the literature in individuals affected with COQ8A-related conditions. ClinVar contains an entry for this variant (Variation ID: 214035). Invitae Evidence Modeling of protein sequence and biophysical properties (such as structural, functional, and spatial information, amino acid conservation, physicochemical variation, residue mobility, and thermodynamic stability) has been performed for this missense variant. However, the output from this modeling did not meet the statistical confidence thresholds required to predict the impact of this variant on COQ8A protein function. In summary, the available evidence is currently insufficient to determine the role of this variant in disease. Therefore, it has been classified as a Variant of Uncertain Significance.

GeneDx
Classification: Likely benign. Last evaluated: 2013-04-15. Review status: criteria provided, single submitter. Criteria: GeneDx Variant Classification (06012015). Collection method: clinical testing. Allele origin: germline. Affected: yes.
Comment: This variant is considered likely benign or benign based on one or more of the following criteria: it is a conservative change, it occurs at a poorly conserved position in the protein, it is predicted to be benign by multiple in silico algorithms, and/or has population frequency not consistent with disease.